The following is an entry in ClinVar:

ClinVar aggregate classification (germline): Conflicting classifications of pathogenicity. Review status: criteria provided, conflicting classifications (1 of 4 stars). 2 submissions from 2 submitters: Uncertain significance (1); Likely benign (1). Last evaluated 2025-10-14.

Conditions:
Brugada syndrome. Also called: Sudden Unexplained Death Syndrome; Sudden Unexplained Nocturnal Death Syndrome (SUNDS); Sudden unexpected nocturnal death syndrome; Sudden unexplained nocturnal death syndrome. Identifiers: Orphanet 130, MedGen C1142166, MONDO:0015263.
Cardiovascular phenotype. Identifiers: MedGen CN230736.

Allele frequency attached by ClinVar (database versions not stated): gnomAD 0.00002; gnomAD exomes 0.00002 and 0.00001; TOPMed 0.00002; ExAC 0.00001.
gnomAD v4.1: 6 of 1,614,122 alleles (0.00037%); highest among the groups gnomAD compares: African/African-American, 0.008%; no homozygotes.

Submissions (2):

Labcorp Genetics (formerly Invitae), Labcorp
Classification: Uncertain significance for Brugada syndrome. Last evaluated: 2025-10-14. Review status: criteria provided, single submitter. Criteria: Invitae Variant Classification Sherloc (09022015). Collection method: clinical testing. Allele origin: germline.
Comment: This sequence change replaces histidine, which is basic and polar, with glutamine, which is neutral and polar, at codon 922 of the SCN10A protein (p.His922Gln). This variant is present in population databases (rs760270839, gnomAD 0.02%). This variant has not been reported in the literature in individuals affected with SCN10A-related conditions. ClinVar contains an entry for this variant (Variation ID: 1385299). Invitae Evidence Modeling of protein sequence and biophysical properties (such as structural, functional, and spatial information, amino acid conservation, physicochemical variation, residue mobility, and thermodynamic stability) indicates that this missense variant is not expected to disrupt SCN10A protein function with a negative predictive value of 80%. In summary, the available evidence is currently insufficient to determine the role of this variant in disease. Therefore, it has been classified as a Variant of Uncertain Significance.

Ambry Genetics
Classification: Likely benign for Cardiovascular phenotype. Last evaluated: 2025-07-30. Review status: criteria provided, single submitter. Criteria: Ambry Variant Classification Scheme 2023. Collection method: clinical testing. Allele origin: germline.

NM_006514.4(SCN10A):c.2766T>A (p.His922Gln)

Gene: SCN10A (sodium voltage-gated channel alpha subunit 10; minus strand). Cytogenetic location: 3p22.2.
Variant type: single nucleotide variant.
Coding change: c.2766T>A on transcript NM_006514.4 (MANE Select); coding-DNA position 2766, T replaced by A.
Protein change: p.His922Gln; replaces histidine 922 with glutamine.
Molecular consequence: missense variant.
Genome position (GRCh38, 1-based): chr3:38,726,927, A>T on the plus strand (T>A on the coding strand, the complement: SCN10A is on the minus strand). VCF-style: chr3-38726927-A-T. GRCh37 (hg19) VCF-style: chr3-38768418-A-T.
Other names: c.2766T>A (NM_006514.2); c.2766T>A, p.His922Gln (NM_001293306.2); c.2472T>A, p.His824Gln (NM_001293307.2); short protein forms H824Q, H922Q.
Identifiers: ClinVar variation 1385299 (VCV001385299.9), dbSNP rs760270839, ClinGen allele CA2320436.
Genomic context (GRCh38, chr3:38,726,927, plus strand): 5'-CTTGGGCTGGGGGAATGGGCAGGACCTGCTGAAGAAGCTGCAAAGAGCCTGTTTGGTACG[A>T]TGGCCAAAGACCTGGATCCGTGCCAGGGCCACCTGCAGGTTGTTCACCTCCCCATCGTCC-3'
Protein context (NP_006505.4, residues 912-932): VALARIQVFG[His922Gln]RTKQALCSFF